The following is an entry in ClinVar:

ClinVar aggregate classification (germline): Uncertain significance (1 of 4 stars; one submission).

Conditions:
Acrocallosal syndrome (ACLS). Also called: HALLUX DUPLICATION, POSTAXIAL POLYDACTYLY, AND ABSENCE OF CORPUS CALLOSUM; Schinzel syndrome 1; Absence of corpus callosum with unusual facial appearance, mental deficiency, duplication of the halluces and polydactyly. Identifiers: Orphanet 36, MedGen C0796147, MONDO:0008708, OMIM 200990.

Allele frequency attached by ClinVar (database versions not stated): gnomAD exomes below 0.00001; TOPMed below 0.00001.

Submission:

Labcorp Genetics (formerly Invitae), Labcorp
Classification: Uncertain significance for Acrocallosal syndrome. Last evaluated: 2024-11-05. Review status: criteria provided, single submitter. Criteria: Invitae Variant Classification Sherloc (09022015). Collection method: clinical testing. Allele origin: germline.
Comment: This sequence change replaces glutamic acid, which is acidic and polar, with glutamine, which is neutral and polar, at codon 749 of the KIF7 protein (p.Glu749Gln). This variant is present in population databases (no rsID available, gnomAD 0.007%). This variant has not been reported in the literature in individuals affected with KIF7-related conditions. ClinVar contains an entry for this variant (Variation ID: 1398329). Invitae Evidence Modeling of protein sequence and biophysical properties (such as structural, functional, and spatial information, amino acid conservation, physicochemical variation, residue mobility, and thermodynamic stability) indicates that this missense variant is not expected to disrupt KIF7 protein function with a negative predictive value of 80%. In summary, the available evidence is currently insufficient to determine the role of this variant in disease. Therefore, it has been classified as a Variant of Uncertain Significance.

NM_198525.3(KIF7):c.2245G>C (p.Glu749Gln)

Gene: KIF7 (kinesin family member 7; minus strand). Cytogenetic location: 15q26.1.
Variant type: single nucleotide variant.
Coding change: c.2245G>C on transcript NM_198525.3 (MANE Select); coding-DNA position 2245, G replaced by C.
Protein change: p.Glu749Gln; replaces glutamic acid 749 with glutamine.
Molecular consequence: missense variant.
Genome position (GRCh38, 1-based): chr15:89,642,352, C>G on the plus strand (G>C on the coding strand, the complement: KIF7 is on the minus strand). VCF-style: chr15-89642352-C-G. GRCh37 (hg19) VCF-style: chr15-90185583-C-G.
Other names: short protein forms E749Q.
Identifiers: ClinVar variation 1398329 (VCV001398329.8), dbSNP rs1163621253, ClinGen allele CA393762251.
Genomic context (GRCh38, chr15:89,642,352, plus strand): 5'-GCTCCCGCAGCTGCCTCTGGCCTTCACTCAGCTCGGCCCGCACCTGCTCTGCCTCCTGCT[C>G]CAGCTCCCGGATACGCTGGCTGTGCTGGCGGTTCAGGGCCTGAGCTGCCTTTCCTGGAAG-3'
Protein context (NP_940927.2, residues 739-759): RQHSQRIREL[Glu749Gln]QEAEQVRAEL